The following is an entry in ClinVar:

ClinVar aggregate classification (germline): Uncertain significance (1 of 4 stars; one submission).

Conditions:
Inborn genetic diseases. Identifiers: MedGen C0950123, MeSH D030342.

Submission:

Ambry Genetics
Classification: Uncertain significance for Inborn genetic diseases. Last evaluated: 2021-09-01. Review status: criteria provided, single submitter. Criteria: Ambry Variant Classification Scheme 2023. Collection method: clinical testing. Allele origin: germline.
Comment: The p.V62A variant (also known as c.185T>C), located in coding exon 2 of the LRRK2 gene, results from a T to C substitution at nucleotide position 185. The valine at codon 62 is replaced by alanine, an amino acid with similar properties. This amino acid position is conserved. In addition, this alteration is predicted to be tolerated by in silico analysis. Since supporting evidence is limited at this time, the clinical significance of this alteration remains unclear.

NM_198578.4(LRRK2):c.185T>C (p.Val62Ala)

Gene: LRRK2 (leucine rich repeat kinase 2; plus strand). Cytogenetic location: 12q12.
Variant type: single nucleotide variant.
Coding change: c.185T>C on transcript NM_198578.4 (MANE Select); coding-DNA position 185, T replaced by C.
Protein change: p.Val62Ala; replaces valine 62 with alanine.
Molecular consequence: missense variant.
Genome position (GRCh38, 1-based): chr12:40,225,588, T>C. VCF-style: chr12-40225588-T-C. GRCh37 (hg19) VCF-style: chr12-40619390-T-C.
Other names: short protein forms V62A.
Identifiers: ClinVar variation 1781484 (VCV001781484.2), dbSNP rs2499335881, ClinGen allele CA384399133.
Genomic context (GRCh38, chr12:40,225,588, plus strand): 5'-TCTTTTCCCCACCCACTTGTTTTCCAGCCTCCAAGTTATTTCAAGGCAAAAATATCCATG[T>C]GCCTCTGTTGATCGTCTTGGACTCCTATATGAGAGTCGCGAGTGTGCAGCAGGTAAAGGC-3'
Protein context (NP_940980.4, residues 52-72): SKLFQGKNIH[Val62Ala]PLLIVLDSYM